The following is an entry in ClinVar:

NM_006303.4(AIMP2):c.533G>A (p.Arg178His)

Gene: AIMP2 (aminoacyl tRNA synthetase complex interacting multifunctional protein 2; plus strand). Cytogenetic location: 7p22.1.
Variant type: single nucleotide variant.
Coding change: c.533G>A on transcript NM_006303.4 (MANE Select); coding-DNA position 533, G replaced by A.
Protein change: p.Arg178His; replaces arginine 178 with histidine.
Molecular consequence: missense variant.
Genome position (GRCh38, 1-based): chr7:6,018,004, G>A. VCF-style: chr7-6018004-G-A. GRCh37 (hg19) VCF-style: chr7-6057635-G-A.
Other names: c.413G>A, p.Arg138His (NM_001326606.2); c.326G>A, p.Arg109His (NM_001326607.2); c.299G>A, p.Arg100His (NM_001326609.2, NM_001326610.2, NM_001326611.3); c.446G>A, p.Arg149His (NM_001362785.2); c.401G>A, p.Arg134His (NM_001362787.2); short protein forms R134H, R138H, R100H, R109H, R149H, R178H.
Identifiers: ClinVar variation 1930673 (VCV001930673.5), dbSNP rs766723249, ClinGen allele CA153263064.

ClinVar aggregate classification (germline): Uncertain significance (1 of 4 stars; one submission).

Allele frequency attached by ClinVar (database versions not stated): gnomAD exomes 0.00001.
gnomAD v4.1: 12 of 1,613,938 alleles (0.00074%); highest among the groups gnomAD compares: South Asian, 0.0011%; no homozygotes.

Submission:

Labcorp Genetics (formerly Invitae), Labcorp
Classification: Uncertain significance. Last evaluated: 2024-09-30. Review status: criteria provided, single submitter. Criteria: Invitae Variant Classification Sherloc (09022015). Collection method: clinical testing. Allele origin: germline.
Comment: This sequence change replaces arginine, which is basic and polar, with histidine, which is basic and polar, at codon 178 of the AIMP2 protein (p.Arg178His). This variant is not present in population databases (gnomAD no frequency). This variant has not been reported in the literature in individuals affected with AIMP2-related conditions. ClinVar contains an entry for this variant (Variation ID: 1930673). An algorithm developed to predict the effect of missense changes on protein structure and function (PolyPhen-2) suggests that this variant is likely to be disruptive. In summary, the available evidence is currently insufficient to determine the role of this variant in disease. Therefore, it has been classified as a Variant of Uncertain Significance.